The following is an entry in ClinVar:

NM_178822.5(IGSF10):c.7208G>A (p.Arg2403Gln)

Gene: IGSF10 (immunoglobulin superfamily member 10; minus strand). Cytogenetic location: 3q25.1.
Variant type: single nucleotide variant.
Coding change: c.7208G>A on transcript NM_178822.5 (MANE Select); coding-DNA position 7208, G replaced by A.
Protein change: p.Arg2403Gln; replaces arginine 2403 with glutamine.
Molecular consequence: missense variant.
Genome position (GRCh38, 1-based): chr3:151,437,353, C>T on the plus strand (G>A on the coding strand, the complement: IGSF10 is on the minus strand). VCF-style: chr3-151437353-C-T. GRCh37 (hg19) VCF-style: chr3-151155141-C-T.
Other names: c.1145G>A, p.Arg382Gln (NM_001178145.3, NM_001178146.3); c.7208G>A, p.Arg2403Gln (NM_001385060.1, NM_001385061.1, NM_001385062.1 and 1 more transcripts); short protein forms R382Q, R2403Q.
Identifiers: ClinVar variation 4037899 (VCV004037899.2).

ClinVar aggregate classification (germline): Uncertain significance. Review status: criteria provided, multiple submitters, no conflicts (2 of 4 stars). 2 submissions from 2 submitters: Uncertain significance (2). Last evaluated 2025-09-03.

gnomAD v4.1: 29 of 1,614,060 alleles (0.0018%); highest among the groups gnomAD compares: Admixed American, 0.0067%; no homozygotes.

Submissions (2):

Labcorp Genetics (formerly Invitae), Labcorp
Classification: Uncertain significance. Last evaluated: 2025-09-03. Review status: criteria provided, single submitter. Criteria: Invitae Variant Classification Sherloc (09022015). Collection method: clinical testing. Allele origin: germline.
Comment: This sequence change replaces arginine, which is basic and polar, with glutamine, which is neutral and polar, at codon 2403 of the IGSF10 protein (p.Arg2403Gln). This variant is present in population databases (rs753363334, gnomAD 0.009%). This variant has not been reported in the literature in individuals affected with IGSF10-related conditions. ClinVar contains an entry for this variant (Variation ID: 4037899). An algorithm developed to predict the effect of missense changes on protein structure and function (PolyPhen-2) suggests that this variant is likely to be disruptive. In summary, the available evidence is currently insufficient to determine the role of this variant in disease. Therefore, it has been classified as a Variant of Uncertain Significance.

Ambry Genetics
Classification: Uncertain significance. Last evaluated: 2025-04-02. Review status: criteria provided, single submitter. Criteria: Ambry Variant Classification Scheme 2023. Collection method: clinical testing. Allele origin: germline.